The following is an entry in ClinVar:

NM_014140.4(SMARCAL1):c.1325C>G (p.Ala442Gly)

Gene: SMARCAL1 (SNF2 related chromatin remodeling annealing helicase 1; plus strand). Cytogenetic location: 2q35.
Variant type: single nucleotide variant.
Coding change: c.1325C>G on transcript NM_014140.4 (MANE Select); coding-DNA position 1325, C replaced by G.
Protein change: p.Ala442Gly; replaces alanine 442 with glycine.
Molecular consequence: missense variant.
Genome position (GRCh38, 1-based): chr2:216,428,773, C>G. VCF-style: chr2-216428773-C-G. GRCh37 (hg19) VCF-style: chr2-217293496-C-G.
Other names: c.1325C>G, p.Ala442Gly (NM_001127207.2); short protein forms A442G.
Identifiers: ClinVar variation 1502216 (VCV001502216.8), dbSNP rs2106029294, ClinGen allele CA350499921.
Genomic context (GRCh38, chr2:216,428,773, plus strand): 5'-AGGCAGACCTTTCTGAAGTGGACCCCAAGCTCGTGTCTAATCTGATGCCCTTTCAGAGAG[C>G]TGGAGTCAAGTAGGTTCTTGATCTTCCTCTCTCTTCCTCTGTTGCTCAAATTTCATTACT-3'
Protein context (NP_054859.2, residues 432-452): LVSNLMPFQR[Ala442Gly]GVNFAIAKGG

ClinVar aggregate classification (germline): Uncertain significance (1 of 4 stars; one submission).

Conditions:
Schimke immuno-osseous dysplasia (SIOD). Also called: Schimke Immunoosseous Dysplasia. Identifiers: Orphanet 1830, MedGen C0877024, MONDO:0009458, OMIM 242900.

Submission:

Labcorp Genetics (formerly Invitae), Labcorp
Classification: Uncertain significance for Schimke immuno-osseous dysplasia. Last evaluated: 2021-04-25. Review status: criteria provided, single submitter. Criteria: Invitae Variant Classification Sherloc (09022015). Collection method: clinical testing. Allele origin: germline.
Comment: Algorithms developed to predict the effect of missense changes on protein structure and function are either unavailable or do not agree on the potential impact of this missense change (SIFT: "Deleterious"; PolyPhen-2: "Benign"; Align-GVGD: "Class C0"). In summary, the available evidence is currently insufficient to determine the role of this variant in disease. Therefore, it has been classified as a Variant of Uncertain Significance. This variant has not been reported in the literature in individuals with SMARCAL1-related conditions. This sequence change replaces alanine with glycine at codon 442 of the SMARCAL1 protein (p.Ala442Gly). The alanine residue is weakly conserved and there is a small physicochemical difference between alanine and glycine. This variant is not present in population databases (ExAC no frequency).